The following is an entry in ClinVar:

NM_001105206.3(LAMA4):c.1655A>G (p.Asp552Gly)

Gene: LAMA4 (laminin subunit alpha 4; minus strand). Cytogenetic location: 6q21.
Variant type: single nucleotide variant.
Coding change: c.1655A>G on transcript NM_001105206.3 (MANE Select); coding-DNA position 1655, A replaced by G.
Protein change: p.Asp552Gly; replaces aspartic acid 552 with glycine.
Molecular consequence: missense variant.
Genome position (GRCh38, 1-based): chr6:112,165,173, T>C on the plus strand (A>G on the coding strand, the complement: LAMA4 is on the minus strand). VCF-style: chr6-112165173-T-C. GRCh37 (hg19) VCF-style: chr6-112486375-T-C.
Other names: c.1634A>G, p.Asp545Gly (NM_001105207.3, NM_002290.5); short protein forms D545G, D552G.
Identifiers: ClinVar variation 1505925 (VCV001505925.8), dbSNP rs976056231, ClinGen allele CA144873980.

ClinVar aggregate classification (germline): Uncertain significance (1 of 4 stars; one submission).

Conditions:
Dilated cardiomyopathy 1JJ (CMD1JJ). Identifiers: Orphanet 154, MedGen C3808935, MONDO:0014095, OMIM 615235.

Submission:

Labcorp Genetics (formerly Invitae), Labcorp
Classification: Uncertain significance for Dilated cardiomyopathy 1JJ. Last evaluated: 2021-07-09. Review status: criteria provided, single submitter. Criteria: Invitae Variant Classification Sherloc (09022015). Collection method: clinical testing. Allele origin: germline.
Comment: This sequence change replaces aspartic acid with glycine at codon 545 of the LAMA4 protein (p.Asp545Gly). The aspartic acid residue is highly conserved and there is a moderate physicochemical difference between aspartic acid and glycine. This variant is not present in population databases (ExAC no frequency). This variant has not been reported in the literature in individuals with LAMA4-related conditions. Algorithms developed to predict the effect of missense changes on protein structure and function are either unavailable or do not agree on the potential impact of this missense change (SIFT: "Deleterious"; PolyPhen-2: "Benign"; Align-GVGD: "Class C0"). In summary, the available evidence is currently insufficient to determine the role of this variant in disease. Therefore, it has been classified as a Variant of Uncertain Significance.